The following is an entry in ClinVar:

ClinVar aggregate classification (germline): Uncertain significance (1 of 4 stars; one submission).

Conditions:
Hereditary cancer-predisposing syndrome. Also called: Hereditary neoplastic syndrome; Tumor predisposition; Hereditary Cancer Syndrome; Neoplastic Syndromes, Hereditary. Identifiers: Orphanet 140162, MedGen C0027672, MeSH D009386, MONDO:0015356.

Submission:

Ambry Genetics
Classification: Uncertain significance for Hereditary cancer-predisposing syndrome. Last evaluated: 2023-06-24. Review status: criteria provided, single submitter. Criteria: Ambry Variant Classification Scheme 2023. Collection method: clinical testing. Allele origin: germline.
Comment: The p.T182R variant (also known as c.545C>G), located in coding exon 5 of the EPCAM gene, results from a C to G substitution at nucleotide position 545. The threonine at codon 182 is replaced by arginine, an amino acid with similar properties. This amino acid position is conserved. In addition, this alteration is predicted to be tolerated by in silico analysis. Since supporting evidence is limited at this time, the clinical significance of this alteration remains unclear.

NM_002354.3(EPCAM):c.545C>G (p.Thr182Arg)

Gene: EPCAM (epithelial cell adhesion molecule; plus strand). Cytogenetic location: 2p21.
Variant type: single nucleotide variant.
Coding change: c.545C>G on transcript NM_002354.3 (MANE Select); coding-DNA position 545, C replaced by G.
Protein change: p.Thr182Arg; replaces threonine 182 with arginine.
Molecular consequence: missense variant.
Genome position (GRCh38, 1-based): chr2:47,377,067, C>G. VCF-style: chr2-47377067-C-G. GRCh37 (hg19) VCF-style: chr2-47604206-C-G.
Other names: short protein forms T182R.
Identifiers: ClinVar variation 2586728 (VCV002586728.2), dbSNP rs1244875384, ClinGen allele CA346724052.
Genomic context (GRCh38, chr2:47,377,067, plus strand): 5'-TTTACAGTGCACTTCAGAAGGAGATCACAACGCGTTATCAACTGGATCCAAAATTTATCA[C>G]GAGTATTTTGGTATGATTTTTTAATAAGTGAGCTTTAGCAGACAGTTGGTGAGACAGTAT-3'
Protein context (NP_002345.2, residues 172-192): TRYQLDPKFI[Thr182Arg]SILYENNVIT